The following is an entry in ClinVar:

NM_000257.4(MYH7):c.175G>A (p.Val59Ile)

Gene: MYH7 (myosin heavy chain 7; minus strand). Cytogenetic location: 14q11.2.
Variant type: single nucleotide variant.
Coding change: c.175G>A on transcript NM_000257.4 (MANE Select); coding-DNA position 175, G replaced by A.
Protein change: p.Val59Ile; replaces valine 59 with isoleucine.
Molecular consequence: missense variant.
Genome position (GRCh38, 1-based): chr14:23,433,558, C>T on the plus strand (G>A on the coding strand, the complement: MYH7 is on the minus strand). VCF-style: chr14-23433558-C-T. GRCh37 (hg19) VCF-style: chr14-23902767-C-T.
Other names: c.175G>A, p.Val59Ile (NM_001407004.1); short protein forms V59I.
Identifiers: ClinVar variation 4757677 (VCV004757677.1).

ClinVar aggregate classification (germline): Uncertain significance (1 of 4 stars; one submission).

Conditions:
Cardiomyopathy (CMYO). Also called: Cardiomyopathies. Identifiers: Orphanet 167848, MedGen C0878544, MONDO:0004994, HP:0001638. Inheritance: Various modes of inheritance.

gnomAD v4.1: 4 of 1,614,224 alleles (0.00025%); highest among the groups gnomAD compares: East Asian, 0.0067%; no homozygotes.

Submission:

Color Diagnostics, LLC DBA Color Health
Classification: Uncertain significance for Cardiomyopathy. Last evaluated: 2025-07-18. Review status: criteria provided, single submitter. Criteria: ACMG Guidelines, 2015. Collection method: clinical testing. Allele origin: germline.
Comment: This missense variant replaces valine with isoleucine at codon 59 of the MYH7 protein. Computational prediction is inconclusive regarding the impact of this variant on protein structure and function. To our knowledge, functional studies have not been reported for this variant. This variant has been reported in an individual affected with hypertrophic cardiomyopathythis individual also carried a pathogenic missense variant in the same gene (PMID: 27885498). This variant has been identified in 2/251414 chromosomes in the general population by the Genome Aggregation Database (gnomAD). The available evidence is insufficient to determine the role of this variant in disease conclusively. Therefore, this variant is classified as a Variant of Uncertain Significance.

Literature cited by the submitters: PubMed 27885498.